The following is an entry in ClinVar:

ClinVar aggregate classification (germline): Uncertain significance (1 of 4 stars; one submission).

Conditions:
Cardiovascular phenotype. Identifiers: MedGen CN230736.

Submission:

Ambry Genetics
Classification: Uncertain significance for Cardiovascular phenotype. Last evaluated: 2023-11-29. Review status: criteria provided, single submitter. Criteria: Ambry Variant Classification Scheme 2023. Collection method: clinical testing. Allele origin: germline.
Comment: The c.2504_2506delGCA variant (also known as p.R835_M836delinsL), located in coding exon 25 of the MYBPC3 gene, results from an in-frame GCA deletion at nucleotide positions 2504 to 2506. This results in the substitution of the arginine and methionine residues at codons 835 and 836 for a leucine residue. This amino acid region is well conserved in available vertebrate species. In addition, this alteration is predicted to be deleterious by in silico analysis (Choi Y et al. PLoS ONE. 2012; 7(10):e46688). Since supporting evidence is limited at this time, the clinical significance of this alteration remains unclear.

NM_000256.3(MYBPC3):c.2504_2506del (p.Arg835_Met836delinsLeu)

Gene: MYBPC3 (myosin binding protein C3; minus strand). Cytogenetic location: 11p11.2.
Variant type: Deletion.
Coding change: c.2504_2506del on transcript NM_000256.3 (MANE Select); coding-DNA positions 2504 to 2506, 3 bases deleted (GCA; older notation c.2504_2506delGCA).
Protein change: p.Arg835_Met836delinsLeu.
Molecular consequence: inframe indel.
Genome position (GRCh38, 1-based): chr11:47,337,487-47,337,489, TGC deleted on the plus strand (GCA on the coding strand, the reverse complement: MYBPC3 is on the minus strand). VCF-style (leftmost placement, unchanged base first): chr11-47337486-ATGC-A. GRCh37 (hg19) VCF-style: chr11-47359037-ATGC-A.
Other names: c.2504_2506delGCA (NM_000256.3).
Identifiers: ClinVar variation 3230877 (VCV003230877.1), dbSNP rs2495749604, ClinGen allele CA2825002006.
Genomic context (GRCh38, chr11:47,337,486, plus strand): 5'-CTGGACATGCCGATGGCGTTGACCGCGTAGACGCGCATCTCGTACACCACGCCCTCGATC[ATGC>A]GCCGCGCTTCATGACTCAGCTCCTGAATCAGGTCGAAGTTCAGCCGCATCCACCGGTAGC-3'